The following is an entry in ClinVar:

ClinVar aggregate classification (germline): Conflicting classifications of pathogenicity. Review status: criteria provided, conflicting classifications (1 of 4 stars). 12 submissions from 12 submitters: Uncertain significance (8); Likely benign (4). Last evaluated 2026-06-27.

Conditions:
Cardiovascular phenotype. Identifiers: MedGen CN230736.
TTN-related disorder. Also called: TTN-related condition; TTN-related disease; TTN-related disorders.
Dilated cardiomyopathy 1G (CMD1G). Identifiers: Orphanet 154, MedGen C1858763, MONDO:0011400, OMIM 604145.
Autosomal recessive limb-girdle muscular dystrophy type 2J (LGMDR10). Also called: Limb-girdle muscular dystrophy, type 2J; MUSCULAR DYSTROPHY, LIMB-GIRDLE, AUTOSOMAL RECESSIVE 10. Identifiers: Orphanet 140922, MedGen C1837342, MONDO:0012127, OMIM 608807.
Cardiomyopathy (CMYO). Also called: Cardiomyopathies. Identifiers: Orphanet 167848, MedGen C0878544, MONDO:0004994, HP:0001638. Inheritance: Various modes of inheritance.
Hypertrophic cardiomyopathy. Also called: HYPERTROPHIC MYOCARDIOPATHY. Identifiers: Orphanet 217569, MedGen C0007194, MeSH D002312, MONDO:0005045, HP:0001639.

Allele frequency attached by ClinVar (database versions not stated): gnomAD 0.00004; gnomAD exomes 0.00005 and 0.00010; TOPMed 0.00009; ExAC 0.00013; 1000 Genomes Project 30x 0.00031.
gnomAD v4.1: 95 of 1,592,682 alleles (0.006%); highest among the groups gnomAD compares: East Asian, 0.038%; no homozygotes.

Submissions (12):

PreventionGenetics, part of Exact Sciences
Classification: Uncertain significance for TTN-related condition. Last evaluated: 2026-06-27. Review status: criteria provided, single submitter. Criteria: ACMG Guidelines, 2015. Collection method: clinical testing. Allele origin: germline.
Comment: The TTN c.56686G>A variant is predicted to result in the amino acid substitution p.Val18896Met. This variant is alternatively referred to as c.G51763A; p.V17255M (NM_001256850), c.29491G>A p.Val9831Met (NM_003319) and c.48982G>A; p.Val16328M (NM_133378) in the literature. It has been reported in an individual with hypertrophic cardiomyopathy (Table S2A, Al-Shafai et al. 2021. PubMed ID: 34137518), dilated cardiomyopathy (Table S2, Yeh et al. 2019. PubMed ID: 31879508) and in an individual with sudden arrhythmic death syndrome (Table S2, Nunn et al. 2015. PubMed ID: 26498160); however, in each of these situations the variant was considered likely benign or uncertain. This variant is reported in 0.070% of alleles in individuals of East Asian descent in gnomAD. Although we suspect that this variant may be benign, at this time, the clinical significance of this variant is uncertain due to the absence of conclusive functional and genetic evidence.

Labcorp Genetics (formerly Invitae), Labcorp
Classification: Likely benign for Dilated cardiomyopathy 1G; Autosomal recessive limb-girdle muscular dystrophy type 2J. Last evaluated: 2026-02-01. Review status: criteria provided, single submitter. Criteria: Invitae Variant Classification Sherloc (09022015). Collection method: clinical testing. Allele origin: germline.

Blueprint Genetics
Classification: Likely benign. Last evaluated: 2024-09-09. Review status: criteria provided, single submitter. Criteria: ACMG Guidelines, 2015. Collection method: clinical testing. Allele origin: germline.

CeGaT Center for Human Genetics Tuebingen
Classification: Uncertain significance. Last evaluated: 2023-08-01. Review status: criteria provided, single submitter. Criteria: CeGaT Center For Human Genetics Tuebingen Variant Classification Criteria Version 2. Collection method: clinical testing. Allele origin: germline. Affected: yes. Observed: 1 variant allele.

Women's Health and Genetics/Laboratory Corporation of America, LabCorp
Classification: Uncertain significance. Last evaluated: 2023-05-08. Review status: criteria provided, single submitter. Criteria: LabCorp Variant Classification Summary - May 2015. Collection method: clinical testing. Allele origin: germline.
Comment: Variant summary: TTN c.48982G>A (p.Val16328Met) results in a conservative amino acid change located in the A band region of the encoded protein sequence. Two of four in-silico tools predict a benign effect of the variant on protein function. The variant allele was found at a frequency of 0.0001 in 233146 control chromosomes (gnomAD). c.48982G>A has been reported in the literature in individuals affected with Sudden Arrhythmic Death Syndrome and cardiomyopathy, however authors classified the variant as VUS or likely benign (examples: Nunn_2016, Yeh_2019, Al-Shafai_2021). These report(s) do not provide unequivocal conclusions about association of the variant with Limb-Girdle Muscular Dystrophy, Type 2J. To our knowledge, no experimental evidence demonstrating an impact on protein function has been reported. The following publications have been ascertained in the context of this evaluation (PMID: 34137518, 26498160, 31879508). Six clinical diagnostic laboratories have submitted clinical-significance assessments for this variant to ClinVar after 2014 and classified the variant as VUS (n=4) and likely benign (n=2). Based on the evidence outlined above, the variant was classified as uncertain significance.

Revvity Omics, Revvity
Classification: Uncertain significance. Last evaluated: 2022-01-28. Review status: criteria provided, single submitter. Criteria: ACMG Guidelines, 2015. Collection method: clinical testing. Allele origin: germline.

GeneDx
Classification: Likely benign. Last evaluated: 2021-02-08. Review status: criteria provided, single submitter. Criteria: GeneDx Variant Classification Process June 2021. Collection method: clinical testing. Allele origin: germline. Affected: yes.
Comment: This variant is associated with the following publications: (PMID: 23861362)

Ambry Genetics
Classification: Uncertain significance for Cardiovascular phenotype. Last evaluated: 2018-09-12. Review status: criteria provided, single submitter. Criteria: Ambry Variant Classification Scheme 2023. Collection method: clinical testing. Allele origin: germline.
Comment: The p.V9831M variant (also known as c.29491G>A), located in coding exon 118 of the TTN gene, results from a G to A substitution at nucleotide position 29491. The valine at codon 9831 is replaced by methionine, an amino acid with highly similar properties. This alteration has been reported as a secondary cardiac variant in an exome cohort (Ng D et al. Circ Cardiovasc Genet. 2013;6(4):337-46). This amino acid position is well conserved in available vertebrate species. In addition, this alteration is predicted to be tolerated by in silico analysis. Since supporting evidence is limited at this time, the clinical significance of this alteration remains unclear.

Eurofins Ntd Llc (ga)
Classification: Uncertain significance. Last evaluated: 2016-10-02. Review status: criteria provided, single submitter. Criteria: EGL Classification Definitions 2015. Collection method: clinical testing. Allele origin: germline. Observed: 2 variant alleles, 1 heterozygote, 1 homozygote.

CHEO Genetics Diagnostic Laboratory, Children's Hospital of Eastern Ontario
Classification: Uncertain significance for Cardiomyopathy. Last evaluated: 2016-07-11. Review status: criteria provided, single submitter. Criteria: ACMG Guidelines, 2015. Collection method: clinical testing. Allele origin: germline. Study: Canadian Open Genetics Repository.

Biesecker Lab/Clinical Genomics Section, National Institutes of Health
Classification: Uncertain significance. Last evaluated: 2013-06-24. Review status: criteria provided, single submitter. Criteria: Ng et al. (Circ Cardiovasc Genet. 2013). Collection method: research. Allele origin: unknown. Observed: 1 variant allele. Study: ClinSeq.
Comment: The study set was not selected for affection status in relation to any cancer. Pathogenicity categories were based on literature curation. See Pubmed ID:23861362 for details.

Medical sequencing

Genetics and Genomics Program, Sidra Medicine
Classification: Likely benign for Hypertrophic cardiomyopathy. Review status: criteria provided, single submitter. Criteria: ACMG Guidelines, 2015. Collection method: research. Allele origin: unknown. Affected: yes. Observed: 1 variant allele.

Literature cited by the submitters: PubMed 26498160 (cited by Women's Health and Genetics/Laboratory Corporation of America, LabCorp); PubMed 34137518 (cited by Women's Health and Genetics/Laboratory Corporation of America, LabCorp); PubMed 31879508 (cited by Women's Health and Genetics/Laboratory Corporation of America, LabCorp); PubMed 23861362 (cited by Ambry Genetics).

NM_001267550.2(TTN):c.56686G>A (p.Val18896Met)

Genes: TTN (titin; minus strand), TTN-AS1 (TTN antisense RNA 1; plus strand). Cytogenetic location: 2q31.2.
Variant type: single nucleotide variant.
Coding change: c.56686G>A on transcript NM_001267550.2 (MANE Select); coding-DNA position 56686, G replaced by A.
Protein change: p.Val18896Met; replaces valine 18896 with methionine.
Molecular consequence: missense variant.
Genome position (GRCh38, 1-based): chr2:178,599,024, C>T on the plus strand (G>A on the coding strand, the complement: TTN is on the minus strand). VCF-style: chr2-178599024-C-T. GRCh37 (hg19) VCF-style: chr2-179463751-C-T.
Other names: p.V17255M:GTG>ATG; c.51763G>A, p.Val17255Met (NM_001256850.1); c.29491G>A, p.Val9831Met (NM_003319.4); c.48982G>A, p.Val16328Met (NM_133378.4); c.29866G>A, p.Val9956Met (NM_133432.3); c.30067G>A, p.Val10023Met (NM_133437.4); short protein forms V16328M, V18896M, V17255M, V9831M, V9956M, V10023M.
Identifiers: ClinVar variation 191938 (VCV000191938.55), dbSNP rs370629962, ClinGen allele CA302465.